The following is an entry in ClinVar:

NM_006509.4(RELB):c.218C>T (p.Pro73Leu)

Gene: RELB (RELB proto-oncogene, NF-kB subunit; plus strand). Cytogenetic location: 19q13.32.
Variant type: single nucleotide variant.
Coding change: c.218C>T on transcript NM_006509.4 (MANE Select); coding-DNA position 218, C replaced by T.
Protein change: p.Pro73Leu; replaces proline 73 with leucine.
Molecular consequence: missense variant.
Genome position (GRCh38, 1-based): chr19:45,011,990, C>T. VCF-style: chr19-45011990-C-T. GRCh37 (hg19) VCF-style: chr19-45515248-C-T.
Other names: short protein forms P73L.
Identifiers: ClinVar variation 1387870 (VCV001387870.6), dbSNP rs776690501, ClinGen allele CA9507514.

ClinVar aggregate classification (germline): Uncertain significance (1 of 4 stars; one submission).

Allele frequency attached by ClinVar (database versions not stated): gnomAD exomes 0.00001; gnomAD 0.00002 and 0.00003.
gnomAD v4.1: 16 of 1,573,062 alleles (0.001%); highest among the groups gnomAD compares: Admixed American, 0.0093%; no homozygotes.

Submission:

Labcorp Genetics (formerly Invitae), Labcorp
Classification: Uncertain significance. Last evaluated: 2025-01-15. Review status: criteria provided, single submitter. Criteria: Invitae Variant Classification Sherloc (09022015). Collection method: clinical testing. Allele origin: germline.
Comment: This sequence change replaces proline, which is neutral and non-polar, with leucine, which is neutral and non-polar, at codon 73 of the RELB protein (p.Pro73Leu). The frequency data for this variant in the population databases is considered unreliable, as metrics indicate poor data quality at this position in the gnomAD database. This variant has not been reported in the literature in individuals affected with RELB-related conditions. ClinVar contains an entry for this variant (Variation ID: 1387870). An algorithm developed to predict the effect of missense changes on protein structure and function outputs the following: PolyPhen-2: "Benign". The leucine amino acid residue is found in multiple mammalian species, which suggests that this missense change does not adversely affect protein function. In summary, the available evidence is currently insufficient to determine the role of this variant in disease. Therefore, it has been classified as a Variant of Uncertain Significance.